The following is an entry in ClinVar:

ClinVar aggregate classification (germline): Likely benign (0 of 4 stars; one submission).

Conditions:
TUBG1-related disorder. Also called: TUBG1-related condition.

Allele frequency attached by ClinVar (database versions not stated): gnomAD exomes below 0.00001; TOPMed below 0.00001.
gnomAD v4.1: 9 of 1,613,752 alleles (0.00056%); highest among the groups gnomAD compares: East Asian, 0.0022%; no homozygotes.

Submission:

PreventionGenetics, part of Exact Sciences
Classification: Likely benign for TUBG1-related condition. Last evaluated: 2019-03-20. Review status: no assertion criteria provided. Collection method: clinical testing. Allele origin: germline.
Comment: This variant is classified as likely benign based on ACMG/AMP sequence variant interpretation guidelines (Richards et al. 2015 PMID: 25741868, with internal and published modifications).

NM_001070.5(TUBG1):c.264A>G (p.Pro88=)

Gene: TUBG1 (tubulin gamma 1; plus strand). Cytogenetic location: 17q21.2.
Variant type: single nucleotide variant.
Coding change: c.264A>G on transcript NM_001070.5 (MANE Select); coding-DNA position 264, A replaced by G.
Protein change: p.Pro88=; no amino-acid change (proline 88 retained).
Molecular consequence: synonymous variant.
Genome position (GRCh38, 1-based): chr17:42,610,524, A>G. VCF-style: chr17-42610524-A-G. GRCh37 (hg19) VCF-style: chr17-40762542-A-G.
Identifiers: ClinVar variation 3048983 (VCV003048983.2), dbSNP rs1195737558, ClinGen allele CA500080251.
Genomic context (GRCh38, chr17:42,610,524, plus strand): 5'-CTTGGAACCCCGGGTGATCCACTCCATCCTCAACTCCCCCTATGCCAAGCTCTACAACCC[A>G]GAGAACATCTACCTGTCGGAACATGGAGGAGGAGCTGGCAACAACTGGGCCAGCGGATTC-3'
Protein context (NP_001061.2, residues 78-98): LNSPYAKLYN[Pro88=]ENIYLSEHGG